The following is an entry in ClinVar:

ClinVar aggregate classification (germline): Uncertain significance. Review status: criteria provided, multiple submitters, no conflicts (2 of 4 stars). 2 submissions from 2 submitters: Uncertain significance (2). Last evaluated 2025-05-21.

Conditions:
Inborn genetic diseases. Identifiers: MedGen C0950123, MeSH D030342.
Early Myoclonic Encephalopathy. Identifiers: MedGen C0270855.

Allele frequency attached by ClinVar (database versions not stated): ExAC 0.00002; 1000 Genomes Project 30x 0.00016; 1000 Genomes Project 0.00020; gnomAD 0.00001.
gnomAD v4.1: 7 of 1,612,604 alleles (0.00043%); highest among the groups gnomAD compares: South Asian, 0.0011%; no homozygotes.

Submissions (2):

Ambry Genetics
Classification: Uncertain significance for Inborn genetic diseases. Last evaluated: 2025-05-21. Review status: criteria provided, single submitter. Criteria: Ambry Variant Classification Scheme 2023. Collection method: clinical testing. Allele origin: germline.

Labcorp Genetics (formerly Invitae), Labcorp
Classification: Uncertain significance for Early Myoclonic Encephalopathy. Last evaluated: 2023-10-10. Review status: criteria provided, single submitter. Criteria: Invitae Variant Classification Sherloc (09022015). Collection method: clinical testing. Allele origin: germline.
Comment: This sequence change replaces arginine, which is basic and polar, with glutamine, which is neutral and polar, at codon 449 of the KCND2 protein (p.Arg449Gln). This variant is present in population databases (rs530060196, gnomAD 0.01%). This variant has not been reported in the literature in individuals affected with KCND2-related conditions. Advanced modeling of protein sequence and biophysical properties (such as structural, functional, and spatial information, amino acid conservation, physicochemical variation, residue mobility, and thermodynamic stability) performed at Invitae indicates that this missense variant is not expected to disrupt KCND2 protein function. In summary, the available evidence is currently insufficient to determine the role of this variant in disease. Therefore, it has been classified as a Variant of Uncertain Significance.

NM_012281.3(KCND2):c.1346G>A (p.Arg449Gln)

Gene: KCND2 (potassium voltage-gated channel subfamily D member 2; plus strand). Cytogenetic location: 7q31.31.
Variant type: single nucleotide variant.
Coding change: c.1346G>A on transcript NM_012281.3 (MANE Select); coding-DNA position 1346, G replaced by A.
Protein change: p.Arg449Gln; replaces arginine 449 with glutamine.
Molecular consequence: missense variant.
Genome position (GRCh38, 1-based): chr7:120,741,601, G>A. VCF-style: chr7-120741601-G-A. GRCh37 (hg19) VCF-style: chr7-120381655-G-A.
Other names: c.1346G>A (NM_012281.2); short protein forms R449Q.
Identifiers: ClinVar variation 2907439 (VCV002907439.4), dbSNP rs530060196, ClinGen allele CA4453653.